The following is an entry in ClinVar:

NM_001848.3(COL6A1):c.428+5G>A

Gene: COL6A1 (collagen type VI alpha 1 chain; plus strand). Cytogenetic location: 21q22.3.
Variant type: single nucleotide variant.
Coding change: c.428+5G>A on transcript NM_001848.3 (MANE Select); 5 bases into the intron after coding-DNA position 428, G replaced by A.
Molecular consequence: intron variant.
Genome position (GRCh38, 1-based): chr21:45,984,474, G>A. VCF-style: chr21-45984474-G-A. GRCh37 (hg19) VCF-style: chr21-47404388-G-A.
Identifiers: ClinVar variation 809301 (VCV000809301.47), dbSNP rs1603589628, ClinGen allele CA915952719.

ClinVar aggregate classification (germline): Uncertain significance. Review status: criteria provided, multiple submitters, no conflicts (2 of 4 stars). 2 submissions from 2 submitters: Uncertain significance (2). Last evaluated 2022-10-19.

Conditions:
Bethlem myopathy 1A. Also called: MYOPATHY, BENIGN CONGENITAL, WITH CONTRACTURES; Bethlem myopathy 1; Bethlem Muscular Dystrophy. Identifiers: Orphanet 610, MedGen CN029274, MONDO:0024530, OMIM 158810.

Submissions (2):

Labcorp Genetics (formerly Invitae), Labcorp
Classification: Uncertain significance for Bethlem myopathy 1A. Last evaluated: 2022-10-19. Review status: criteria provided, single submitter. Criteria: Invitae Variant Classification Sherloc (09022015). Collection method: clinical testing. Allele origin: germline.
Comment: This sequence change falls in intron 3 of the COL6A1 gene. It does not directly change the encoded amino acid sequence of the COL6A1 protein. It affects a nucleotide within the consensus splice site. This variant is not present in population databases (gnomAD no frequency). This variant has not been reported in the literature in individuals affected with COL6A1-related conditions. ClinVar contains an entry for this variant (Variation ID: 809301). Variants that disrupt the consensus splice site are a relatively common cause of aberrant splicing (PMID: 17576681, 9536098). Algorithms developed to predict the effect of sequence changes on RNA splicing suggest that this variant may create or strengthen a splice site. In summary, the available evidence is currently insufficient to determine the role of this variant in disease. Therefore, it has been classified as a Variant of Uncertain Significance.

CeGaT Center for Human Genetics Tuebingen
Classification: Uncertain significance. Last evaluated: 2019-03-01. Review status: criteria provided, single submitter. Criteria: CeGaT Center For Human Genetics Tuebingen Variant Classification Criteria Version 2. Collection method: clinical testing. Allele origin: germline. Affected: yes. Observed: 1 variant allele.

Literature cited by the submitters: PubMed 17576681 (cited by Labcorp Genetics (formerly Invitae), Labcorp); PubMed 9536098 (cited by Labcorp Genetics (formerly Invitae), Labcorp).